The following is an entry in ClinVar:

ClinVar aggregate classification (germline): Uncertain significance (1 of 4 stars; one submission).

Conditions:
Amyotrophic lateral sclerosis type 4 (ALS4). Also called: AMYOTROPHIC LATERAL SCLEROSIS 4, JUVENILE; NEURONOPATHY, DISTAL HEREDITARY MOTOR, WITH PYRAMIDAL FEATURES. Identifiers: Orphanet 357043, MedGen C1865409, MONDO:0011223, OMIM 602433.
Spinocerebellar ataxia, autosomal recessive, with axonal neuropathy 2 (SCAN2). Also called: ATAXIA-OCULOMOTOR APRAXIA 2; Ataxia with Oculomotor Apraxia Type 2; Ataxia-ocular apraxia-2; Ataxia with Oculomotor Apraxia. Identifiers: Orphanet 64753, MedGen C1853761, MONDO:0018996, OMIM 606002.

gnomAD v4.1: 1 of 1,614,086 alleles (0.000062%); highest among the groups gnomAD compares: South Asian, 0.0011%; no homozygotes.

Submission:

Labcorp Genetics (formerly Invitae), Labcorp
Classification: Uncertain significance for Amyotrophic lateral sclerosis type 4; Spinocerebellar ataxia, autosomal recessive, with axonal neuropathy 2. Last evaluated: 2024-06-26. Review status: criteria provided, single submitter. Criteria: Invitae Variant Classification Sherloc (09022015). Collection method: clinical testing. Allele origin: germline.
Comment: This sequence change replaces isoleucine, which is neutral and non-polar, with leucine, which is neutral and non-polar, at codon 1268 of the SETX protein (p.Ile1268Leu). This variant is not present in population databases (gnomAD no frequency). This variant has not been reported in the literature in individuals affected with SETX-related conditions. Advanced modeling of protein sequence and biophysical properties (such as structural, functional, and spatial information, amino acid conservation, physicochemical variation, residue mobility, and thermodynamic stability) performed at Invitae indicates that this missense variant is not expected to disrupt SETX protein function with a negative predictive value of 95%. In summary, the available evidence is currently insufficient to determine the role of this variant in disease. Therefore, it has been classified as a Variant of Uncertain Significance.

NM_015046.7(SETX):c.3802A>T (p.Ile1268Leu)

Gene: SETX (senataxin; minus strand). Cytogenetic location: 9q34.13.
Variant type: single nucleotide variant.
Coding change: c.3802A>T on transcript NM_015046.7 (MANE Select); coding-DNA position 3802, A replaced by T.
Protein change: p.Ile1268Leu; replaces isoleucine 1268 with leucine.
Molecular consequence: missense variant.
Genome position (GRCh38, 1-based): chr9:132,327,796, T>A on the plus strand (A>T on the coding strand, the complement: SETX is on the minus strand). VCF-style: chr9-132327796-T-A. GRCh37 (hg19) VCF-style: chr9-135203183-T-A.
Other names: c.3802A>T, p.Ile1268Leu (NM_001351527.2, NM_001351528.2); short protein forms I1268L.
Identifiers: ClinVar variation 3753931 (VCV003753931.2).